The following is an entry in ClinVar:

ClinVar aggregate classification (germline): Uncertain significance (1 of 4 stars; one submission).

gnomAD v4.1: 3 of 1,613,964 alleles (0.00019%); highest among the groups gnomAD compares: Non-Finnish European, 0.00025%; no homozygotes.

Submission:

Labcorp Genetics (formerly Invitae), Labcorp
Classification: Uncertain significance. Last evaluated: 2025-02-26. Review status: criteria provided, single submitter. Criteria: Invitae Variant Classification Sherloc (09022015). Collection method: clinical testing. Allele origin: germline.
Comment: This sequence change replaces proline, which is neutral and non-polar, with threonine, which is neutral and polar, at codon 865 of the COL4A4 protein (p.Pro865Thr). This variant is present in population databases (rs762302461, gnomAD 0.0009%). This variant has not been reported in the literature in individuals affected with COL4A4-related conditions. Invitae Evidence Modeling of protein sequence and biophysical properties (such as structural, functional, and spatial information, amino acid conservation, physicochemical variation, residue mobility, and thermodynamic stability) indicates that this missense variant is not expected to disrupt COL4A4 protein function with a negative predictive value of 95%. In summary, the available evidence is currently insufficient to determine the role of this variant in disease. Therefore, it has been classified as a Variant of Uncertain Significance.

NM_000092.5(COL4A4):c.2593C>A (p.Pro865Thr)

Gene: COL4A4 (collagen type IV alpha 4 chain; minus strand). Cytogenetic location: 2q36.3.
Variant type: single nucleotide variant.
Coding change: c.2593C>A on transcript NM_000092.5 (MANE Select); coding-DNA position 2593, C replaced by A.
Protein change: p.Pro865Thr; replaces proline 865 with threonine.
Molecular consequence: missense variant.
Genome position (GRCh38, 1-based): chr2:227,056,068, G>T on the plus strand (C>A on the coding strand, the complement: COL4A4 is on the minus strand). VCF-style: chr2-227056068-G-T. GRCh37 (hg19) VCF-style: chr2-227920784-G-T.
Other names: short protein forms P865T.
Identifiers: ClinVar variation 4690785 (VCV004690785.1).